The following is an entry in ClinVar:

NM_005591.4(MRE11):c.1100T>G (p.Val367Gly)

Gene: MRE11 (MRE11 double strand break repair nuclease; minus strand). Cytogenetic location: 11q21.
Variant type: single nucleotide variant.
Coding change: c.1100T>G on transcript NM_005591.4 (MANE Select); coding-DNA position 1100, T replaced by G.
Protein change: p.Val367Gly; replaces valine 367 with glycine.
Molecular consequence: missense variant.
Genome position (GRCh38, 1-based): chr11:94,464,238, A>C on the plus strand (T>G on the coding strand, the complement: MRE11 is on the minus strand). VCF-style: chr11-94464238-A-C. GRCh37 (hg19) VCF-style: chr11-94197404-A-C.
Other names: c.1100T>G, p.Val367Gly (NM_001330347.2, NM_005590.4); short protein forms V367G.
Identifiers: ClinVar variation 407893 (VCV000407893.11), dbSNP rs749526614, ClinGen allele CA6235152.
Genomic context (GRCh38, chr11:94,464,238, plus strand): 5'-TCCACAAATTTCTGGCTAAAGCGAAGAACACTGAAAGGTTCAAAACCTCCACTATAGTCC[A>C]CCTGAAAACACAGAATAATCTATGAACGCTAGGAAACAACAATTTGCCAATTTTTAAAAC-3'
Protein context (NP_005582.1, residues 357-377): QPEKPLVRLR[Val367Gly]DYSGGFEPFS

ClinVar aggregate classification (germline): Uncertain significance. Review status: criteria provided, multiple submitters, no conflicts (2 of 4 stars). 2 submissions from 2 submitters: Uncertain significance (2). Last evaluated 2025-05-31.

Conditions:
Ataxia-telangiectasia-like disorder (ATLD). Identifiers: MedGen C1858391, MONDO:0011457.
Hereditary cancer-predisposing syndrome. Also called: Hereditary Cancer Syndrome; Hereditary neoplastic syndrome; Neoplastic Syndromes, Hereditary; Tumor predisposition. Identifiers: Orphanet 140162, MedGen C0027672, MeSH D009386, MONDO:0015356.

Allele frequency attached by ClinVar (database versions not stated): TOPMed below 0.00001; gnomAD exomes 0.00001 and 0.00002; ExAC 0.00002.
gnomAD v4.1: 10 of 1,613,876 alleles (0.00062%); highest among the groups gnomAD compares: Non-Finnish European, 0.00051%; no homozygotes.

Submissions (2):

Ambry Genetics
Classification: Uncertain significance for Hereditary cancer-predisposing syndrome. Last evaluated: 2025-05-31. Review status: criteria provided, single submitter. Criteria: Ambry Variant Classification Scheme 2023. Collection method: clinical testing. Allele origin: germline.
Comment: The p.V367G variant (also known as c.1100T>G), located in coding exon 10 of the MRE11A gene, results from a T to G substitution at nucleotide position 1100. The valine at codon 367 is replaced by glycine, an amino acid with dissimilar properties. This amino acid position is highly conserved in available vertebrate species. In addition, this alteration is predicted to be deleterious by in silico analysis. Since supporting evidence is limited at this time, the clinical significance of this alteration remains unclear.

Labcorp Genetics (formerly Invitae), Labcorp
Classification: Uncertain significance for Ataxia-telangiectasia-like disorder. Last evaluated: 2021-12-13. Review status: criteria provided, single submitter. Criteria: Invitae Variant Classification Sherloc (09022015). Collection method: clinical testing. Allele origin: germline.
Comment: This sequence change replaces valine, which is neutral and non-polar, with glycine, which is neutral and non-polar, at codon 367 of the MRE11 protein (p.Val367Gly). This variant is present in population databases (rs749526614, gnomAD 0.003%). This variant has not been reported in the literature in individuals affected with MRE11-related conditions. ClinVar contains an entry for this variant (Variation ID: 407893). Algorithms developed to predict the effect of missense changes on protein structure and function (SIFT, PolyPhen-2, Align-GVGD) all suggest that this variant is likely to be disruptive. In summary, the available evidence is currently insufficient to determine the role of this variant in disease. Therefore, it has been classified as a Variant of Uncertain Significance.